The following is an entry in ClinVar:

NM_001029883.3(PCARE):c.2966del (p.Pro989fs)

Gene: PCARE (photoreceptor cilium actin regulator; minus strand). Cytogenetic location: 2p23.2.
Variant type: Deletion.
Coding change: c.2966del on transcript NM_001029883.3 (MANE Select); coding-DNA position 2966, one base deleted (C; older notation c.2966delC).
Protein change: p.Pro989fs; shifts the reading frame from proline 989.
Molecular consequence: frameshift variant.
Genome position (GRCh38, 1-based): chr2:29,071,296, G deleted on the plus strand (C on the coding strand, the reverse complement: PCARE is on the minus strand); the first of 6 consecutive G bases (chr2:29,071,296-29,071,301); deleting any one gives the same sequence. VCF-style (leftmost placement, unchanged base first): chr2-29071295-AG-A. GRCh37 (hg19) VCF-style: chr2-29294161-AG-A.
Other names: short protein forms P989fs.
Identifiers: ClinVar variation 1184961 (VCV001184961.9), dbSNP rs770881706, ClinGen allele CA1592066.

ClinVar aggregate classification (germline): Pathogenic/Likely pathogenic. Review status: criteria provided, multiple submitters, no conflicts (2 of 4 stars). 5 submissions from 5 submitters: Pathogenic (3); Likely pathogenic (2). Last evaluated 2026-02-04.

Conditions:
Retinitis pigmentosa 54 (RP54). Identifiers: Orphanet 791, MedGen C3150691, MONDO:0013263, OMIM 613428.
PCARE-related disorder. Also called: PCARE-related condition.
Retinal disorder. Also called: Retinopathies; Retinal Diseases; Retinal disorders; Retinopathy. Identifiers: MedGen C0035309, MONDO:0005283, HP:0000488.

Submissions (5):

Genetics Laboratory, Great Ormond Street Hospital NHS Foundation Trust, North Thames Genomic Laboratory Hub
Classification: Pathogenic for Retinal disorders. Last evaluated: 2026-02-04. Review status: criteria provided, single submitter. Criteria: ACGS Best Practice Guidelines for Variant Classification in Rare Disease 2024 v1.2. Collection method: clinical testing. Allele origin: germline. Affected: yes.
Comment: PM2_moderate, PVS1_very-strong

Labcorp Genetics (formerly Invitae), Labcorp
Classification: Pathogenic. Last evaluated: 2025-02-15. Review status: criteria provided, single submitter. Criteria: Invitae Variant Classification Sherloc (09022015). Collection method: clinical testing. Allele origin: germline.
Comment: This sequence change creates a premature translational stop signal (p.Pro989Leufs*46) in the PCARE gene. It is expected to result in an absent or disrupted protein product. Loss-of-function variants in PCARE are known to be pathogenic (PMID: 20398886, 24339724, 26496393). The frequency data for this variant in the population databases is considered unreliable, as metrics indicate poor data quality at this position in the gnomAD database. This variant has not been reported in the literature in individuals affected with PCARE-related conditions. ClinVar contains an entry for this variant (Variation ID: 1184961). For these reasons, this variant has been classified as Pathogenic.

Blueprint Genetics
Classification: Likely pathogenic for PCARE-related disorders. Last evaluated: 2022-06-28. Review status: criteria provided, single submitter. Criteria: ACMG Guidelines, 2015. Collection method: clinical testing. Allele origin: germline. Affected: yes. Observed: 1 variant allele.

Institute of Medical Genetics and Applied Genomics, University Hospital Tübingen
Classification: Pathogenic. Last evaluated: 2021-06-17. Review status: criteria provided, single submitter. Criteria: ACMG Guidelines, 2015. Collection method: clinical testing. Allele origin: germline. Inheritance: Autosomal recessive inheritance. Affected: yes.

Juno Genomics, Hangzhou Juno Genomics, Inc
Classification: Likely pathogenic for Retinitis pigmentosa 54. Review status: criteria provided, single submitter. Criteria: ACMG Guidelines, 2015. Collection method: clinical testing. Allele origin: germline.
Comment: Null variant in a gene where loss of function (LOF) is a known mechanism of disease.;Absent from controls (or at extremely low frequency if recessive) in Genome Aggregation Database.

Literature cited by the submitters: PubMed 20398886 (cited by Labcorp Genetics (formerly Invitae), Labcorp); PubMed 24339724 (cited by Labcorp Genetics (formerly Invitae), Labcorp); PubMed 26496393 (cited by Labcorp Genetics (formerly Invitae), Labcorp).